The following is an entry in ClinVar:

NM_000709.4(BCKDHA):c.203T>A (p.Ile68Asn)

Gene: BCKDHA (branched chain keto acid dehydrogenase E1 subunit alpha; plus strand). Cytogenetic location: 19q13.2.
Variant type: single nucleotide variant.
Coding change: c.203T>A on transcript NM_000709.4 (MANE Select); coding-DNA position 203, T replaced by A.
Protein change: p.Ile68Asn; replaces isoleucine 68 with asparagine.
Molecular consequence: missense variant.
Genome position (GRCh38, 1-based): chr19:41,410,731, T>A. VCF-style: chr19-41410731-T-A. GRCh37 (hg19) VCF-style: chr19-41916636-T-A.
Other names: c.203T>A (NM_000709.3); c.203T>A, p.Ile68Asn (NM_001164783.2); short protein forms I68N.
Identifiers: ClinVar variation 2168535 (VCV002168535.2), dbSNP rs748762939, ClinGen allele CA9461024.

ClinVar aggregate classification (germline): Uncertain significance. Review status: criteria provided, multiple submitters, no conflicts (2 of 4 stars). 2 submissions from 2 submitters: Uncertain significance (2). Last evaluated 2025-06-07.

Conditions:
Inborn genetic diseases. Identifiers: MedGen C0950123, MeSH D030342.
Maple syrup urine disease (MSUD). Identifiers: Orphanet 511, MedGen C0024776, MeSH D008375, MONDO:0009563. Disease mechanism: loss of function.

Allele frequency attached by ClinVar (database versions not stated): gnomAD exomes below 0.00001; ExAC 0.00002; gnomAD 0.00003; TOPMed 0.00003.
gnomAD v4.1: 7 of 1,613,998 alleles (0.00043%); highest among the groups gnomAD compares: African/African-American, 0.0093%; no homozygotes.

Submissions (2):

Ambry Genetics
Classification: Uncertain significance for Inborn genetic diseases. Last evaluated: 2025-06-07. Review status: criteria provided, single submitter. Criteria: Ambry Variant Classification Scheme 2023. Collection method: clinical testing. Allele origin: germline.

Labcorp Genetics (formerly Invitae), Labcorp
Classification: Uncertain significance for Maple syrup urine disease. Last evaluated: 2022-07-11. Review status: criteria provided, single submitter. Criteria: Invitae Variant Classification Sherloc (09022015). Collection method: clinical testing. Allele origin: germline.
Comment: This sequence change replaces isoleucine, which is neutral and non-polar, with asparagine, which is neutral and polar, at codon 68 of the BCKDHA protein (p.Ile68Asn). This variant is present in population databases (rs748762939, gnomAD 0.02%). This variant has not been reported in the literature in individuals affected with BCKDHA-related conditions. Advanced modeling of protein sequence and biophysical properties (such as structural, functional, and spatial information, amino acid conservation, physicochemical variation, residue mobility, and thermodynamic stability) performed at Invitae indicates that this missense variant is not expected to disrupt BCKDHA protein function. In summary, the available evidence is currently insufficient to determine the role of this variant in disease. Therefore, it has been classified as a Variant of Uncertain Significance.